The following is an entry in ClinVar:

ClinVar aggregate classification (germline): Benign. Review status: criteria provided, multiple submitters, no conflicts (2 of 4 stars). 5 submissions from 5 submitters: Benign (3). 2 of the submissions do not count toward it. Last evaluated 2026-01-28.

Conditions:
RTTN-related disorder. Also called: RTTN-related condition.

Allele frequency attached by ClinVar (database versions not stated): gnomAD exomes 0.00057 and 0.00139; ExAC 0.00158; ESP Exome Variant Server 0.00495; gnomAD 0.00506 and 0.00541; TOPMed 0.00536; 1000 Genomes Project 30x 0.00609; 1000 Genomes Project 0.00619.
gnomAD v4.1: 1,650 of 1,614,192 alleles (0.1%); highest among the groups gnomAD compares: African/African-American, 1.8%; 14 homozygotes.

Submissions (5):

Labcorp Genetics (formerly Invitae), Labcorp
Classification: Benign. Last evaluated: 2026-01-28. Review status: criteria provided, single submitter. Criteria: Invitae Variant Classification Sherloc (09022015). Collection method: clinical testing. Allele origin: germline.

GeneDx
Classification: Benign. Last evaluated: 2018-11-07. Review status: criteria provided, single submitter. Criteria: GeneDx Variant Classification Process June 2021. Collection method: clinical testing. Allele origin: germline. Affected: yes.

Breakthrough Genomics
Classification: Benign. Review status: criteria provided, single submitter. Criteria: ACMG Guidelines, 2015. Collection method: not provided. Allele origin: germline. Inheritance: Autosomal recessive inheritance. Affected: yes.

PreventionGenetics, part of Exact Sciences
Classification: Benign for RTTN-related condition. Last evaluated: 2019-04-12. Review status: no assertion criteria provided. Collection method: clinical testing. Allele origin: germline. Not counted in ClinVar's aggregate classification.
Comment: This variant is classified as benign based on ACMG/AMP sequence variant interpretation guidelines (Richards et al. 2015 PMID: 25741868, with internal and published modifications).

Genetic Services Laboratory, University of Chicago
Classification: Likely benign for AllHighlyPenetrant. Review status: no assertion criteria provided. Collection method: clinical testing. Allele origin: germline. Inheritance: Autosomal recessive inheritance. Not counted in ClinVar's aggregate classification.
Comment: Likely benign based on allele frequency in 1000 Genomes Project or ESP global frequency and its presence in a patient with a rare or unrelated disease phenotype. NOT Sanger confirmed.

NM_173630.4(RTTN):c.183G>A (p.Lys61=)

Gene: RTTN (rotatin; minus strand). Cytogenetic location: 18q22.2.
Variant type: single nucleotide variant.
Coding change: c.183G>A on transcript NM_173630.4 (MANE Select); coding-DNA position 183, G replaced by A.
Protein change: p.Lys61=; no amino-acid change (lysine 61 retained).
Molecular consequence: synonymous variant. On other transcripts: 5 prime UTR variant (1).
Genome position (GRCh38, 1-based): chr18:70,205,164, C>T on the plus strand (G>A on the coding strand, the complement: RTTN is on the minus strand). VCF-style: chr18-70205164-C-T. GRCh37 (hg19) VCF-style: chr18-67872400-C-T.
Other names: c.-2371G>A (NM_001318520.2).
Identifiers: ClinVar variation 130166 (VCV000130166.19), dbSNP rs34922729, ClinGen allele CA154986.
Genomic context (GRCh38, chr18:70,205,164, plus strand): 5'-TTCTTTATTTCAAAATGACCCTACCTTAACCAATCTGCTTAACAGGTTCAGAACCTCTTC[C>T]TTCATCGGAACGGACGGGAAATTGAACCATTCCAGCAAATGAAGAAAAAGTTGCCTCTCC-3'
Protein context (NP_775901.3, residues 51-71): EWFNFPSVPM[Lys61=]EEVLNLLSRL